The following is an entry in ClinVar:

NM_006031.6(PCNT):c.9271A>G (p.Ser3091Gly)

Gene: PCNT (pericentrin; plus strand). Cytogenetic location: 21q22.3.
Variant type: single nucleotide variant.
Coding change: c.9271A>G on transcript NM_006031.6 (MANE Select); coding-DNA position 9271, A replaced by G.
Protein change: p.Ser3091Gly; replaces serine 3091 with glycine.
Molecular consequence: missense variant.
Genome position (GRCh38, 1-based): chr21:46,438,335, A>G. VCF-style: chr21-46438335-A-G. GRCh37 (hg19) VCF-style: chr21-47858248-A-G.
Other names: p.S3091G:AGC>GGC; c.8680A>G, p.Ser2894Gly (NM_001315529.2); short protein forms S3091G, S2894G.
Identifiers: ClinVar variation 138614 (VCV000138614.17), dbSNP rs4818842, ClinGen allele CA173142.

ClinVar aggregate classification (germline): Benign. Review status: criteria provided, multiple submitters, no conflicts (2 of 4 stars). 5 submissions from 5 submitters: Benign (5). Last evaluated 2026-02-02.

Conditions:
Microcephalic osteodysplastic primordial dwarfism type II (MOPD2). Also called: Microcephalic osteodysplastic primordial dwarfism with tooth abnormalities; OSTEODYSPLASTIC PRIMORDIAL DWARFISM, TYPE II; MOPD II. Identifiers: Orphanet 2637, MedGen C0432246, MONDO:0008872, OMIM 210720.

Allele frequency attached by ClinVar (database versions not stated): ESP Exome Variant Server 0.01722; 1000 Genomes Project 0.02276; gnomAD 0.02495 and 0.02525; 1000 Genomes Project 30x 0.02561; gnomAD exomes 0.02578 and 0.03363; TOPMed 0.02675; ExAC 0.03074.
gnomAD v4.1: 41,319 of 1,613,794 alleles (2.6%); highest among the groups gnomAD compares: Admixed American, 9.3%; 770 homozygotes.

Submissions (5):

Labcorp Genetics (formerly Invitae), Labcorp
Classification: Benign. Last evaluated: 2026-02-02. Review status: criteria provided, single submitter. Criteria: Invitae Variant Classification Sherloc (09022015). Collection method: clinical testing. Allele origin: germline.

Illumina Laboratory Services, Illumina
Classification: Benign for Microcephalic osteodysplastic primordial dwarfism type II. Last evaluated: 2018-01-12. Review status: criteria provided, single submitter. Criteria: ICSL Variant Classification Criteria 13 December 2019. Collection method: clinical testing. Allele origin: germline.
Comment: This variant was observed in the ICSL laboratory as part of a predisposition screen in an ostensibly healthy population. It had not been previously curated by ICSL or reported in the Human Gene Mutation Database (HGMD: prior to June 1st, 2018), and was therefore a candidate for classification through an automated scoring system. Utilizing variant allele frequency, disease prevalence and penetrance estimates, and inheritance mode, an automated score was calculated to assess if this variant is too frequent to cause the disease. Based on the score and internal cut-off values, a variant classified as benign is not then subjected to further curation. The score for this variant resulted in a classification of benign for this disease.

GeneDx
Classification: Benign. Last evaluated: 2013-12-18. Review status: criteria provided, single submitter. Criteria: GeneDx Variant Classification (06012015). Collection method: clinical testing. Allele origin: germline. Affected: yes.
Comment: This variant is considered likely benign or benign based on one or more of the following criteria: it is a conservative change, it occurs at a poorly conserved position in the protein, it is predicted to be benign by multiple in silico algorithms, and/or has population frequency not consistent with disease.

Genetic Services Laboratory, University of Chicago
Classification: Benign. Last evaluated: 2013-02-08. Review status: criteria provided, single submitter. Criteria: ACMG Guidelines, 2007. Collection method: clinical testing. Allele origin: germline. Inheritance: Autosomal recessive inheritance.

Breakthrough Genomics
Classification: Benign. Review status: criteria provided, single submitter. Criteria: ACMG Guidelines, 2015. Collection method: not provided. Allele origin: germline. Inheritance: Autosomal recessive inheritance. Affected: yes.